The following is an entry in ClinVar:

ClinVar aggregate classification (germline): Uncertain significance (1 of 4 stars; one submission).

Conditions:
Immunodeficiency 132A. Also called: Herpes simplex encephalitis, susceptibility to, 3. Identifiers: Orphanet 1930, MedGen C3553868, MONDO:0013920, OMIM 614849.

Allele frequency attached by ClinVar (database versions not stated): gnomAD exomes below 0.00001.
gnomAD v4.1: 5 of 1,613,446 alleles (0.00031%); highest among the groups gnomAD compares: Non-Finnish European, 0.00042%; no homozygotes.

Submission:

Labcorp Genetics (formerly Invitae), Labcorp
Classification: Uncertain significance for Immunodeficiency 132A. Last evaluated: 2023-10-13. Review status: criteria provided, single submitter. Criteria: Invitae Variant Classification Sherloc (09022015). Collection method: clinical testing. Allele origin: germline.
Comment: This sequence change replaces alanine, which is neutral and non-polar, with threonine, which is neutral and polar, at codon 256 of the TRAF3 protein (p.Ala256Thr). This variant is not present in population databases (gnomAD no frequency). This variant has not been reported in the literature in individuals affected with TRAF3-related conditions. An algorithm developed to predict the effect of missense changes on protein structure and function (PolyPhen-2) suggests that this variant is likely to be tolerated. In summary, the available evidence is currently insufficient to determine the role of this variant in disease. Therefore, it has been classified as a Variant of Uncertain Significance.

NM_145725.3(TRAF3):c.766G>A (p.Ala256Thr)

Gene: TRAF3 (TNF receptor associated factor 3; plus strand). Cytogenetic location: 14q32.32.
Variant type: single nucleotide variant.
Coding change: c.766G>A on transcript NM_145725.3 (MANE Select); coding-DNA position 766, G replaced by A.
Protein change: p.Ala256Thr; replaces alanine 256 with threonine.
Molecular consequence: missense variant. On other transcripts: intron variant (1).
Genome position (GRCh38, 1-based): chr14:102,891,364, G>A. VCF-style: chr14-102891364-G-A. GRCh37 (hg19) VCF-style: chr14-103357701-G-A.
Other names: c.766G>A, p.Ala256Thr (NM_001385142.1, NM_003300.4); c.685G>A, p.Ala229Thr (NM_001385143.1); c.691G>A, p.Ala231Thr (NM_145726.3); c.571-5897G>A (NM_001199427.2); short protein forms A229T, A256T, A231T.
Identifiers: ClinVar variation 2732033 (VCV002732033.3), dbSNP rs2542543369, ClinGen allele CA391072326.